The following is an entry in ClinVar:

NM_000195.5(HPS1):c.1743+2T>C

Gene: HPS1 (HPS1 biogenesis of lysosomal organelles complex 3 subunit 1; minus strand). Cytogenetic location: 10q24.2.
Variant type: single nucleotide variant.
Coding change: c.1743+2T>C on transcript NM_000195.5 (MANE Select); the canonical splice donor site of the intron after coding-DNA position 1743, T replaced by C.
Molecular consequence: splice donor variant.
Genome position (GRCh38, 1-based): chr10:98,422,367, A>G on the plus strand (T>C on the coding strand, the complement: HPS1 is on the minus strand). VCF-style: chr10-98422367-A-G. GRCh37 (hg19) VCF-style: chr10-100182124-A-G.
Other names: c.1743+2T>C (NM_001322477.2, NM_001322476.2); c.771+2T>C (NM_001311345.2, NM_001322487.2, NM_001322489.2); c.1644+2T>C (NM_001322479.2, NM_001322478.2); c.1374+2T>C (NM_001322483.2, NM_001322484.2); c.1482+2T>C (NM_001322480.2, NM_001322481.2); c.1275+2T>C (NM_001322485.2); c.1383+2T>C (NM_001322482.2).
Identifiers: ClinVar variation 3725540 (VCV003725540.2).

ClinVar aggregate classification (germline): Likely pathogenic (1 of 4 stars; one submission).

Submission:

Labcorp Genetics (formerly Invitae), Labcorp
Classification: Likely pathogenic. Last evaluated: 2024-11-19. Review status: criteria provided, single submitter. Criteria: Invitae Variant Classification Sherloc (09022015). Collection method: clinical testing. Allele origin: germline.
Comment: This sequence change affects a donor splice site in intron 17 of the HPS1 gene. It is expected to disrupt RNA splicing. Variants that disrupt the donor or acceptor splice site typically lead to a loss of protein function (PMID: 16199547), and loss-of-function variants in HPS1 are known to be pathogenic (PMID: 12442288, 16185271). This variant is not present in population databases (gnomAD no frequency). This variant has not been reported in the literature in individuals affected with HPS1-related conditions. Algorithms developed to predict the effect of sequence changes on RNA splicing suggest that this variant may disrupt the consensus splice site. In summary, the currently available evidence indicates that the variant is pathogenic, but additional data are needed to prove that conclusively. Therefore, this variant has been classified as Likely Pathogenic.

Literature cited by the submitters: PubMed 16199547; PubMed 12442288; PubMed 16185271.